The following is an entry in ClinVar:

ClinVar aggregate classification (germline): Uncertain significance (1 of 4 stars; one submission).

Conditions:
Beckwith-Wiedemann syndrome (BWS). Also called: EMG SYNDROME; Exomphalos macroglossia gigantism syndrome. Identifiers: Orphanet 116, MedGen C0004903, MONDO:0007534, OMIM 130650.

Submission:

Labcorp Genetics (formerly Invitae), Labcorp
Classification: Uncertain significance for Beckwith-Wiedemann syndrome. Last evaluated: 2021-02-06. Review status: criteria provided, single submitter. Criteria: Invitae Variant Classification Sherloc (09022015). Collection method: clinical testing. Allele origin: germline.
Comment: This variant, c.758_769dup, results in the insertion of 4 amino acid(s) to the CDKN1C protein (p.Gly253_Ala256dup), but otherwise preserves the integrity of the reading frame. This variant is not present in population databases (ExAC no frequency). In summary, the available evidence is currently insufficient to determine the role of this variant in disease. Therefore, it has been classified as a Variant of Uncertain Significance. This variant has not been reported in the literature in individuals with CDKN1C-related conditions. Experimental studies and prediction algorithms are not available or were not evaluated, and the functional significance of this variant is currently unknown.

NM_001122630.2(CDKN1C):c.725_736dup (p.Gly242_Ala245dup)

Gene: CDKN1C (cyclin dependent kinase inhibitor 1C; minus strand). Cytogenetic location: 11p15.4.
Variant type: Duplication.
Coding change: c.725_736dup on transcript NM_001122630.2 (MANE Select); coding-DNA positions 725 to 736, 12 bases duplicated (GCACCGCGGCCG).
Protein change: p.Gly242_Ala245dup.
Molecular consequence: inframe insertion. On other transcripts: intron variant (1).
Genome position (GRCh38, 1-based): chr11:2,884,721-2,884,732, CGGCCGCGGTGC duplicated on the plus strand (GCACCGCGGCCG on the coding strand, the reverse complement: CDKN1C is on the minus strand); duplicating any 12 consecutive bases within chr11:2,884,721-2,884,741 gives the same sequence; the c. name uses the placement nearest the transcript's 3' end. VCF-style (leftmost placement, unchanged base first): chr11-2884720-G-GCGGCCGCGGTGC. GRCh37 (hg19) VCF-style: chr11-2905950-G-GCGGCCGCGGTGC.
Other names: c.758_769dup, p.Gly253_Ala256dup (NM_000076.2, NM_001362474.2); c.725_736dup, p.Gly242_Ala245dup (NM_001122631.2); c.255+470_255+481dup (NM_001362475.2).
Identifiers: ClinVar variation 1514636 (VCV001514636.8), dbSNP rs1341703910, ClinGen allele CA2573145964.
Genomic context (GRCh38, chr11:2,884,720, plus strand): 5'-CGGGGCTCACCGGAGATCAGAGGCCCGGACAGCTTCTTGATCGCCGCGCCGTTGGCGCTG[G>GCGGCCGCGGTGC]CGGCCGCGGTGCCGGCCGCGGGACGTCCCGAAATCCCCGAGTGCAGCTGGTCAGCGAGAG-3'